The following is an entry in ClinVar:

NM_000048.4(ASL):c.614C>T (p.Ala205Val)

Gene: ASL (argininosuccinate lyase; plus strand). Cytogenetic location: 7q11.21.
Variant type: single nucleotide variant.
Coding change: c.614C>T on transcript NM_000048.4 (MANE Select); coding-DNA position 614, C replaced by T.
Protein change: p.Ala205Val; replaces alanine 205 with valine.
Molecular consequence: missense variant.
Genome position (GRCh38, 1-based): chr7:66,087,345, C>T. VCF-style: chr7-66087345-C-T. GRCh37 (hg19) VCF-style: chr7-65552332-C-T.
Other names: c.614C>T, p.Ala205Val (NM_001024943.2, NM_001024944.2); c.536C>T, p.Ala179Val (NM_001024946.2); short protein forms A205V, A179V.
Identifiers: ClinVar variation 203614 (VCV000203614.11), dbSNP rs796051925, ClinGen allele CA312324.

ClinVar aggregate classification (germline): Conflicting classifications of pathogenicity. Review status: criteria provided, conflicting classifications (1 of 4 stars). 4 submissions from 4 submitters: Pathogenic (1); Likely pathogenic (2); Uncertain significance (1). Last evaluated 2026-01-26.

Conditions:
Argininosuccinate lyase deficiency. Also called: ARGININOSUCCINIC ACID LYASE DEFICIENCY; ASL DEFICIENCY; Argininosuccinic aciduria. Identifiers: Orphanet 23, MedGen C0268547, MONDO:0008815, OMIM 207900, HP:0025630.

Allele frequency attached by ClinVar (database versions not stated): gnomAD exomes below 0.00001.
gnomAD v4.1: 1 of 1,605,472 alleles (0.000062%); no homozygotes.

Submissions (4):

Natera, Inc.
Classification: Likely pathogenic for Argininosuccinate lyase deficiency. Last evaluated: 2026-01-26. Review status: criteria provided, single submitter. Criteria: Natera Variant Classification Schema (03/2026). Collection method: clinical testing. Allele origin: germline.
Comment: The c.614C>T variant in ASL is a missense variant predicted to cause substitution of alanine to valine at amino acid 205. This variant is rare in the general population with a frequency below the threshold expected for the associated phenotype(s). This variant has been observed in one or more individuals affected with the associated recessive disease, as either homozygous or compound heterozygous with a second variant (PMID: 24166829). Computational prediction algorithms indicate this variant is likely to affect gene or protein function. Given the available evidence, this variant is classified as Likely Pathogenic.

Women's Health and Genetics/Laboratory Corporation of America, LabCorp
Classification: Uncertain significance. Last evaluated: 2025-07-17. Review status: criteria provided, single submitter. Criteria: LabCorp Variant Classification Summary - May 2015. Collection method: clinical testing. Allele origin: germline.
Comment: Variant summary: ASL c.614C>T (p.Ala205Val) results in a non-conservative amino acid change located in the Fumarate lyase, N-terminal domain (IPR022761) of the encoded protein sequence. Algorithms developed to predict the effect of missense changes on protein structure and function all suggest that this variant is likely to be disruptive. The variant was absent in 244712 control chromosomes (gnomAD). c.614C>T has been reported in the literature in individuals affected with Argininosuccinic Aciduria (Balmer_2013, internal data). These data indicate that the variant may be associated with disease. To our knowledge, no experimental evidence demonstrating an impact on protein function has been reported. The following publication has been ascertained in the context of this evaluation (PMID: 24166829). ClinVar contains an entry for this variant (Variation ID: 203614). Based on the evidence outlined above, the variant was classified as VUS-possibly pathogenic.

Labcorp Genetics (formerly Invitae), Labcorp
Classification: Pathogenic for Argininosuccinate lyase deficiency. Last evaluated: 2023-11-14. Review status: criteria provided, single submitter. Criteria: Invitae Variant Classification Sherloc (09022015). Collection method: clinical testing. Allele origin: germline.
Comment: This sequence change replaces alanine, which is neutral and non-polar, with valine, which is neutral and non-polar, at codon 205 of the ASL protein (p.Ala205Val). This variant is not present in population databases (gnomAD no frequency). This missense change has been observed in individual(s) with argininosuccinate lyase deficiency (PMID: 24166829; Invitae). In at least one individual the data is consistent with being in trans (on the opposite chromosome) from a pathogenic variant. ClinVar contains an entry for this variant (Variation ID: 203614). Advanced modeling of protein sequence and biophysical properties (such as structural, functional, and spatial information, amino acid conservation, physicochemical variation, residue mobility, and thermodynamic stability) performed at Invitae indicates that this missense variant is expected to disrupt ASL protein function with a positive predictive value of 95%. For these reasons, this variant has been classified as Pathogenic.

Baylor Genetics
Classification: Likely pathogenic for Argininosuccinate lyase deficiency. Last evaluated: 2023-10-09. Review status: criteria provided, single submitter. Criteria: ACMG Guidelines, 2015. Collection method: clinical testing. Allele origin: unknown.

Literature cited by the submitters: PubMed 24166829 (cited by 3 submitters).